The following is an entry in ClinVar:

ClinVar aggregate classification (germline): Uncertain significance (1 of 4 stars; one submission).

Conditions:
Tay-Sachs disease (TSD). Also called: GM2 gangliosidosis, type 1; Hexosaminidase alpha-subunit deficiency (variant B); Sphingolipidosis, Tay-Sachs; HEXA DEFICIENCY; Hexosaminidase A Deficiency; HEXA Disorders. Identifiers: Orphanet 845, MedGen C0039373, MONDO:0010100, OMIM 272800.

Allele frequency attached by ClinVar (database versions not stated): TOPMed 0.00001.

Submission:

Labcorp Genetics (formerly Invitae), Labcorp
Classification: Uncertain significance for Tay-Sachs disease. Last evaluated: 2022-05-05. Review status: criteria provided, single submitter. Criteria: Invitae Variant Classification Sherloc (09022015). Collection method: clinical testing. Allele origin: germline.
Comment: This sequence change replaces alanine, which is neutral and non-polar, with threonine, which is neutral and polar, at codon 64 of the HEXA protein (p.Ala64Thr). This variant is not present in population databases (gnomAD no frequency). This variant has not been reported in the literature in individuals affected with HEXA-related conditions. Algorithms developed to predict the effect of missense changes on protein structure and function are either unavailable or do not agree on the potential impact of this missense change (SIFT: "Tolerated"; PolyPhen-2: "Probably Damaging"; Align-GVGD: "Class C0"). In summary, the available evidence is currently insufficient to determine the role of this variant in disease. Therefore, it has been classified as a Variant of Uncertain Significance.

NM_000520.6(HEXA):c.190G>A (p.Ala64Thr)

Gene: HEXA (hexosaminidase subunit alpha; minus strand). Cytogenetic location: 15q23.
Variant type: single nucleotide variant.
Coding change: c.190G>A on transcript NM_000520.6 (MANE Select); coding-DNA position 190, G replaced by A.
Protein change: p.Ala64Thr; replaces alanine 64 with threonine.
Molecular consequence: missense variant. On other transcripts: non-coding transcript variant (1).
Genome position (GRCh38, 1-based): chr15:72,375,783, C>T on the plus strand (G>A on the coding strand, the complement: HEXA is on the minus strand). VCF-style: chr15-72375783-C-T. GRCh37 (hg19) VCF-style: chr15-72668124-C-T.
Other names: c.190G>A, p.Ala64Thr (NM_001318825.2); short protein forms A64T.
Identifiers: ClinVar variation 2187952 (VCV002187952.1), dbSNP rs2089056664, ClinGen allele CA393070232.